The following is an entry in ClinVar:

NM_000152.5(GAA):c.2242G>A (p.Glu748Lys)

Gene: GAA (alpha glucosidase; plus strand). Cytogenetic location: 17q25.3.
Variant type: single nucleotide variant.
Coding change: c.2242G>A on transcript NM_000152.5 (MANE Select); coding-DNA position 2242, G replaced by A.
Protein change: p.Glu748Lys; replaces glutamic acid 748 with lysine.
Molecular consequence: missense variant.
Genome position (GRCh38, 1-based): chr17:80,117,020, G>A. VCF-style: chr17-80117020-G-A. GRCh37 (hg19) VCF-style: chr17-78090819-G-A.
Other names: c.2242G>A, p.Glu748Lys (NM_001079803.3, NM_001079804.3); short protein forms E748K.
Identifiers: ClinVar variation 1508211 (VCV001508211.6), dbSNP rs1057516363, ClinGen allele CA401324776.

ClinVar aggregate classification (germline): Uncertain significance (1 of 4 stars; one submission).

Conditions:
Glycogen storage disease, type II (IOPD). Also called: Glucosidase acid-1,4-alpha deficiency; Pompe Disease; POMPE DISEASE, INFANTILE-ONSET; GLYCOGEN STORAGE DISEASE II, INFANTILE-ONSET; ACID ALPHA-GLUCOSIDASE DEFICIENCY, INFANTILE-ONSET; GAA DEFICIENCY, INFANTILE-ONSET. Identifiers: Orphanet 365, MedGen C0017921, MONDO:0009290, OMIM 232300.

gnomAD v4.1: 2 of 1,613,750 alleles (0.00012%); highest among the groups gnomAD compares: Non-Finnish European, 0.00017%; no homozygotes.

Submission:

Labcorp Genetics (formerly Invitae), Labcorp
Classification: Uncertain significance for Glycogen storage disease, type II. Last evaluated: 2024-12-02. Review status: criteria provided, single submitter. Criteria: Invitae Variant Classification Sherloc (09022015). Collection method: clinical testing. Allele origin: germline.
Comment: This sequence change replaces glutamic acid, which is acidic and polar, with lysine, which is basic and polar, at codon 748 of the GAA protein (p.Glu748Lys). This variant is not present in population databases (gnomAD no frequency). This variant has not been reported in the literature in individuals affected with GAA-related conditions. ClinVar contains an entry for this variant (Variation ID: 1508211). Invitae Evidence Modeling of protein sequence and biophysical properties (such as structural, functional, and spatial information, amino acid conservation, physicochemical variation, residue mobility, and thermodynamic stability) indicates that this missense variant is not expected to disrupt GAA protein function with a negative predictive value of 95%. In summary, the available evidence is currently insufficient to determine the role of this variant in disease. Therefore, it has been classified as a Variant of Uncertain Significance.